The following is an entry in ClinVar:

ClinVar aggregate classification (germline): Likely benign. Review status: criteria provided, multiple submitters, no conflicts (2 of 4 stars). 2 submissions from 2 submitters: Likely benign (2). Last evaluated 2023-10-09.

Conditions:
Intellectual developmental disorder, X-linked 1. Also called: Intellectual disability, X-linked 1; Atkin Flaitz Patil Smith syndrome; MENTAL RETARDATION, X-LINKED 18; MENTAL RETARDATION, X-LINKED 78. Identifiers: Orphanet 777, MedGen C2931498, MONDO:0010656, OMIM 309530.

Allele frequency attached by ClinVar (database versions not stated): gnomAD exomes below 0.00001; gnomAD 0.00001; TOPMed 0.00001.
gnomAD v4.1: 4 of 1,206,310 alleles (0.00033%); highest among the groups gnomAD compares: African/African-American, 0.0053%; no homozygotes.

Submissions (2):

Labcorp Genetics (formerly Invitae), Labcorp
Classification: Likely benign for Intellectual developmental disorder, X-linked 1. Last evaluated: 2023-10-09. Review status: criteria provided, single submitter. Criteria: Invitae Variant Classification Sherloc (09022015). Collection method: clinical testing. Allele origin: germline.

GeneDx
Classification: Likely benign. Last evaluated: 2016-04-28. Review status: criteria provided, single submitter. Criteria: GeneDx Variant Classification (06012015). Collection method: clinical testing. Allele origin: germline. Affected: yes.
Comment: This variant is considered likely benign or benign based on one or more of the following criteria: it is a conservative change, it occurs at a poorly conserved position in the protein, it is predicted to be benign by multiple in silico algorithms, and/or has population frequency not consistent with disease.

NM_001111125.3(IQSEC2):c.2459+19G>A

Gene: IQSEC2 (IQ motif and Sec7 domain ArfGEF 2; minus strand). Cytogenetic location: Xp11.22.
Variant type: single nucleotide variant.
Coding change: c.2459+19G>A on transcript NM_001111125.3 (MANE Select); 19 bases into the intron after coding-DNA position 2459, G replaced by A.
Molecular consequence: intron variant.
Genome position (GRCh38, 1-based): chrX:53,248,702, C>T on the plus strand (G>A on the coding strand, the complement: IQSEC2 is on the minus strand). VCF-style: chrX-53248702-C-T. GRCh37 (hg19) VCF-style: chrX-53277884-C-T.
Other names: c.1844+19G>A (NM_015075.2).
Identifiers: ClinVar variation 385701 (VCV000385701.6), dbSNP rs1057522303, ClinGen allele CA16609192.